The following is an entry in ClinVar:

ClinVar aggregate classification (germline): Uncertain significance (1 of 4 stars; one submission).

Conditions:
Peroxisome biogenesis disorder 11A (Zellweger). Also called: Peroxisome biogenesis disorder 11A. Identifiers: Orphanet 912, MedGen C3554000, MONDO:0013949, OMIM 614883.

Allele frequency attached by ClinVar (database versions not stated): gnomAD exomes below 0.00001 and 0.00001; ExAC 0.00001.

Submission:

Labcorp Genetics (formerly Invitae), Labcorp
Classification: Uncertain significance for Peroxisome biogenesis disorder 11A (Zellweger). Last evaluated: 2022-07-15. Review status: criteria provided, single submitter. Criteria: Invitae Variant Classification Sherloc (09022015). Collection method: clinical testing. Allele origin: germline.
Comment: This sequence change replaces methionine, which is neutral and non-polar, with leucine, which is neutral and non-polar, at codon 198 of the PEX13 protein (p.Met198Leu). This variant is present in population databases (rs760577554, gnomAD 0.006%). This variant has not been reported in the literature in individuals affected with PEX13-related conditions. ClinVar contains an entry for this variant (Variation ID: 1370733). Algorithms developed to predict the effect of missense changes on protein structure and function output the following: SIFT: "Tolerated"; PolyPhen-2: "Benign"; Align-GVGD: "Class C0". The leucine amino acid residue is found in multiple mammalian species, which suggests that this missense change does not adversely affect protein function. In summary, the available evidence is currently insufficient to determine the role of this variant in disease. Therefore, it has been classified as a Variant of Uncertain Significance.

NM_002618.4(PEX13):c.592A>T (p.Met198Leu)

Gene: PEX13 (peroxisomal biogenesis factor 13; plus strand). Cytogenetic location: 2p15.
Variant type: single nucleotide variant.
Coding change: c.592A>T on transcript NM_002618.4 (MANE Select); coding-DNA position 592, A replaced by T.
Protein change: p.Met198Leu; replaces methionine 198 with leucine.
Molecular consequence: missense variant.
Genome position (GRCh38, 1-based): chr2:61,031,918, A>T. VCF-style: chr2-61031918-A-T. GRCh37 (hg19) VCF-style: chr2-61259053-A-T.
Other names: short protein forms M198L.
Identifiers: ClinVar variation 1370733 (VCV001370733.5), dbSNP rs760577554, ClinGen allele CA1673319.